The following is an entry in ClinVar:

NM_001379610.1(SPINK1):c.56-37T>C

Gene: SPINK1 (serine peptidase inhibitor Kazal type 1; minus strand). Cytogenetic location: 5q32.
Variant type: single nucleotide variant.
Coding change: c.56-37T>C on transcript NM_001379610.1 (MANE Select); 37 bases into the intron before coding-DNA position 56, T replaced by C.
Molecular consequence: intron variant.
Genome position (GRCh38, 1-based): chr5:147,829,667, A>G on the plus strand (T>C on the coding strand, the complement: SPINK1 is on the minus strand). VCF-style: chr5-147829667-A-G. GRCh37 (hg19) VCF-style: chr5-147209230-A-G.
Other names: c.56-37T>C (NM_003122.5, NM_001354966.2, NM_003122.3).
Identifiers: ClinVar variation 239507 (VCV000239507.47), dbSNP rs17107318, ClinGen allele CA3494817.

ClinVar aggregate classification (germline): Benign/Likely benign; risk factor. Review status: criteria provided, multiple submitters, no conflicts (2 of 4 stars). 6 submissions from 6 submitters: Benign (4); Likely benign (1). Last evaluated 2026-08-01.

Conditions:
Hereditary pancreatitis (PCTT). Also called: PRSS1-Related Hereditary Pancreatitis; Hereditary chronic pancreatitis. Identifiers: Orphanet 676, MedGen C0238339, MONDO:0008185, OMIM 167800.

Allele frequency attached by ClinVar (database versions not stated): gnomAD 0.00761 and 0.00736; gnomAD exomes 0.00825 and 0.00995; ExAC 0.00838; 1000 Genomes Project 0.00499; 1000 Genomes Project 30x 0.00500; TOPMed 0.00604; ESP Exome Variant Server 0.00700.
gnomAD v4.1: 15,440 of 1,590,006 alleles (0.97%); highest among the groups gnomAD compares: South Asian, 1.8%; 108 homozygotes.

Submissions (6):

CeGaT Center for Human Genetics Tuebingen
Classification: Benign. Last evaluated: 2026-08-01. Review status: criteria provided, single submitter. Criteria: CeGaT Center For Human Genetics Tuebingen Variant Classification Criteria Version 2. Collection method: clinical testing. Allele origin: germline. Affected: yes. Observed: 13 variant alleles.
Comment: SPINK1: BS1, BS2

ARUP Laboratories, Molecular Genetics and Genomics, ARUP Laboratories
Classification: Benign. Last evaluated: 2025-07-22. Review status: criteria provided, single submitter. Criteria: ARUP Molecular Germline Variant Investigation Process 2024. Collection method: clinical testing. Allele origin: germline.

Ambry Genetics
Classification: Likely benign for Hereditary pancreatitis. Last evaluated: 2023-12-26. Review status: criteria provided, single submitter. Criteria: Ambry Variant Classification Scheme 2023. Collection method: clinical testing. Allele origin: germline.

KCCC/NGS Laboratory, Kuwait Cancer Control Center
Classification: Benign for Hereditary pancreatitis. Last evaluated: 2023-07-07. Review status: criteria provided, single submitter. Criteria: ACMG Guidelines, 2015. Collection method: clinical testing. Allele origin: germline. Affected: yes.

Sema4
Classification: Benign for Hereditary pancreatitis. Last evaluated: 2021-02-25. Review status: criteria provided, single submitter. Criteria: Sema4 Curation Guidelines. Collection method: curation. Allele origin: germline.

Labcorp Genetics (formerly Invitae), Labcorp
Classification: risk factor for Hereditary pancreatitis. Last evaluated: 2016-03-08. Review status: criteria provided, single submitter. Criteria: Invitae Variant Classification Sherloc (09022015). Collection method: clinical testing. Allele origin: germline.